The following is an entry in ClinVar:

ClinVar aggregate classification (germline): Uncertain significance (1 of 4 stars; one submission).

Conditions:
Primary ciliary dyskinesia. Also called: Ciliary dyskinesia. Identifiers: Orphanet 244, MedGen C0008780, MONDO:0016575, HP:0012265.

Submission:

Ambry Genetics
Classification: Uncertain significance for Primary ciliary dyskinesia. Last evaluated: 2024-04-23. Review status: criteria provided, single submitter. Criteria: Ambry Variant Classification Scheme 2023. Collection method: clinical testing. Allele origin: germline.
Comment: The p.D17Y variant (also known as c.49G>T), located in coding exon 1 of the DNAAF1 gene, results from a G to T substitution at nucleotide position 49. The aspartic acid at codon 17 is replaced by tyrosine, an amino acid with highly dissimilar properties. This amino acid position is conserved. In addition, this alteration is predicted to be tolerated by in silico analysis. Based on the available evidence, the clinical significance of this variant remains unclear.

NM_178452.6(DNAAF1):c.49G>T (p.Asp17Tyr)

Gene: DNAAF1 (dynein axonemal assembly factor 1; plus strand). Cytogenetic location: 16q24.1.
Variant type: single nucleotide variant.
Coding change: c.49G>T on transcript NM_178452.6 (MANE Select); coding-DNA position 49, G replaced by T.
Protein change: p.Asp17Tyr; replaces aspartic acid 17 with tyrosine.
Molecular consequence: missense variant.
Genome position (GRCh38, 1-based): chr16:84,145,489, G>T. VCF-style: chr16-84145489-G-T. GRCh37 (hg19) VCF-style: chr16-84179094-G-T.
Other names: short protein forms D17Y.
Identifiers: ClinVar variation 3272499 (VCV003272499.1).